The following is an entry in ClinVar:

ClinVar aggregate classification (germline): Uncertain significance (1 of 4 stars; one submission).

gnomAD v4.1: 1 of 1,211,854 alleles (0.000083%); no homozygotes.

Submission:

Labcorp Genetics (formerly Invitae), Labcorp
Classification: Uncertain significance. Last evaluated: 2024-10-24. Review status: criteria provided, single submitter. Criteria: Invitae Variant Classification Sherloc (09022015). Collection method: clinical testing. Allele origin: germline.
Comment: This sequence change replaces lysine, which is basic and polar, with asparagine, which is neutral and polar, at codon 760 of the NEXMIF protein (p.Lys760Asn). This variant is not present in population databases (gnomAD no frequency). This variant has not been reported in the literature in individuals affected with NEXMIF-related conditions. An algorithm developed to predict the effect of missense changes on protein structure and function outputs the following: PolyPhen-2: "Benign". The asparagine amino acid residue is found in multiple mammalian species, which suggests that this missense change does not adversely affect protein function. In summary, the available evidence is currently insufficient to determine the role of this variant in disease. Therefore, it has been classified as a Variant of Uncertain Significance.

NM_001008537.3(NEXMIF):c.2280G>C (p.Lys760Asn)

Gene: NEXMIF (neurite extension and migration factor; minus strand). Cytogenetic location: Xq13.3.
Variant type: single nucleotide variant.
Coding change: c.2280G>C on transcript NM_001008537.3 (MANE Select); coding-DNA position 2280, G replaced by C.
Protein change: p.Lys760Asn; replaces lysine 760 with asparagine.
Molecular consequence: missense variant.
Genome position (GRCh38, 1-based): chrX:74,742,277, C>G on the plus strand (G>C on the coding strand, the complement: NEXMIF is on the minus strand). VCF-style: chrX-74742277-C-G. GRCh37 (hg19) VCF-style: chrX-73962112-C-G.
Other names: short protein forms K760N.
Identifiers: ClinVar variation 2756866 (VCV002756866.3), dbSNP rs1346244989, ClinGen allele CA413668566.